The following is an entry in ClinVar:

NM_004423.4(DVL3):c.1449G>C (p.Lys483Asn)

Gene: DVL3 (dishevelled segment polarity protein 3; plus strand). Cytogenetic location: 3q27.1.
Variant type: single nucleotide variant.
Coding change: c.1449G>C on transcript NM_004423.4 (MANE Select); coding-DNA position 1449, G replaced by C.
Protein change: p.Lys483Asn; replaces lysine 483 with asparagine.
Molecular consequence: missense variant.
Genome position (GRCh38, 1-based): chr3:184,168,016, G>C. VCF-style: chr3-184168016-G-C. GRCh37 (hg19) VCF-style: chr3-183885804-G-C.
Other names: short protein forms K483N.
Identifiers: ClinVar variation 4535337 (VCV004535337.6).

ClinVar aggregate classification (germline): Uncertain significance (1 of 4 stars; one submission).

Submission:

CeGaT Center for Human Genetics Tuebingen
Classification: Uncertain significance. Last evaluated: 2026-01-01. Review status: criteria provided, single submitter. Criteria: CeGaT Center For Human Genetics Tuebingen Variant Classification Criteria Version 2. Collection method: clinical testing. Allele origin: germline. Affected: yes. Observed: 2 variant alleles.
Comment: DVL3: PM2